The following is an entry in ClinVar:

ClinVar aggregate classification (germline): Likely benign. Review status: criteria provided, multiple submitters, no conflicts (2 of 4 stars). 5 submissions from 5 submitters: Likely benign (4). 1 of the submissions does not count toward it. Last evaluated 2025-12-08.

Conditions:
Benign familial hematuria. Also called: thin basement membrane disease. Identifiers: MedGen C0241908, MONDO:0957317.
Autosomal recessive Alport syndrome (ATS2). Also called: COL4A4 Alport Syndrome and Thin Basement Membrane Nephropathy; ALPORT SYNDROME 2, AUTOSOMAL RECESSIVE; Alport syndrome type 2; COL4A3-Related Nephropathy. Identifiers: Orphanet 63, Orphanet 88919, MedGen C4746745, MONDO:0008762, OMIM 203780.
COL4A4-related disorder.

Allele frequency attached by ClinVar (database versions not stated): 1000 Genomes Project 0.00020; 1000 Genomes Project 30x 0.00031.
gnomAD v4.1: 161 of 1,614,048 alleles (0.01%); highest among the groups gnomAD compares: African/African-American, 0.056%; 1 homozygote.

Submissions (5):

Labcorp Genetics (formerly Invitae), Labcorp
Classification: Likely benign. Last evaluated: 2025-12-08. Review status: criteria provided, single submitter. Criteria: Invitae Variant Classification Sherloc (09022015). Collection method: clinical testing. Allele origin: germline.

Blueprint Genetics
Classification: Likely benign. Last evaluated: 2024-08-23. Review status: criteria provided, single submitter. Criteria: ACMG Guidelines, 2015. Collection method: clinical testing. Allele origin: germline.

CeGaT Center for Human Genetics Tuebingen
Classification: Likely benign. Last evaluated: 2023-10-01. Review status: criteria provided, single submitter. Criteria: CeGaT Center For Human Genetics Tuebingen Variant Classification Criteria Version 2. Collection method: clinical testing. Allele origin: germline. Affected: yes. Observed: 1 variant allele.
Comment: COL4A4: BP4, BP7

Fulgent Genetics
Classification: Likely benign for Hematuria, benign familial, 1; Autosomal recessive Alport syndrome. Last evaluated: 2022-05-05. Review status: criteria provided, single submitter. Criteria: ACMG Guidelines, 2015. Collection method: clinical testing. Allele origin: unknown.

PreventionGenetics, part of Exact Sciences
Classification: Likely benign for COL4A4-related condition. Last evaluated: 2020-06-18. Review status: no assertion criteria provided. Collection method: clinical testing. Allele origin: germline. Not counted in ClinVar's aggregate classification.
Comment: This variant is classified as likely benign based on ACMG/AMP sequence variant interpretation guidelines (Richards et al. 2015 PMID: 25741868, with internal and published modifications).

NM_000092.5(COL4A4):c.3306C>T (p.Ser1102=)

Gene: COL4A4 (collagen type IV alpha 4 chain; minus strand). Cytogenetic location: 2q36.3.
Variant type: single nucleotide variant.
Coding change: c.3306C>T on transcript NM_000092.5 (MANE Select); coding-DNA position 3306, C replaced by T.
Protein change: p.Ser1102=; no amino-acid change (serine 1102 retained).
Molecular consequence: synonymous variant.
Genome position (GRCh38, 1-based): chr2:227,043,168, G>A on the plus strand (C>T on the coding strand, the complement: COL4A4 is on the minus strand). VCF-style: chr2-227043168-G-A. GRCh37 (hg19) VCF-style: chr2-227907884-G-A.
Other names: c.3306C>T (NM_000092.4).
Identifiers: ClinVar variation 1096663 (VCV001096663.36), dbSNP rs200065408, ClinGen allele CA2144565.